The following is an entry in ClinVar:

ClinVar aggregate classification (germline): Likely benign. Review status: criteria provided, multiple submitters, no conflicts (2 of 4 stars). 3 submissions from 3 submitters: Likely benign (3). Last evaluated 2026-07-01.

Conditions:
Long QT syndrome (LQTS). Identifiers: MedGen C0023976, MeSH D008133, MONDO:0002442. Disease mechanism: loss of function. Inheritance: Various modes of inheritance.

Allele frequency attached by ClinVar (database versions not stated): ExAC 0.00001; gnomAD exomes 0.00001; TOPMed 0.00001.
gnomAD v4.1: 3 of 1,613,814 alleles (0.00019%); highest among the groups gnomAD compares: Admixed American, 0.005%; no homozygotes.

Submissions (3):

CeGaT Center for Human Genetics Tuebingen
Classification: Likely benign. Last evaluated: 2026-07-01. Review status: criteria provided, single submitter. Criteria: CeGaT Center For Human Genetics Tuebingen Variant Classification Criteria Version 2. Collection method: clinical testing. Allele origin: germline. Affected: yes. Observed: 1 variant allele.
Comment: KCNQ1: BP4, BP7

Labcorp Genetics (formerly Invitae), Labcorp
Classification: Likely benign for Long QT syndrome. Last evaluated: 2025-05-02. Review status: criteria provided, single submitter. Criteria: Invitae Variant Classification Sherloc (09022015). Collection method: clinical testing. Allele origin: germline.

All of Us Research Program, National Institutes of Health
Classification: Likely benign for Long QT syndrome. Last evaluated: 2024-07-20. Review status: criteria provided, single submitter. Criteria: ACMG Guidelines, 2015. Collection method: clinical testing. Allele origin: germline. Inheritance: Autosomal dominant inheritance. Observed: 1 variant allele, 1 heterozygote.
Comment: This study involves interpretation of variants in research participants for the purpose of population health screening. Participant phenotype was not available at the time of variant classification. Additional details can be found in publication PMID: 35346344, PMCID: PMC8962531

NM_000218.3(KCNQ1):c.891C>A (p.Gly297=)

Gene: KCNQ1 (potassium voltage-gated channel subfamily Q member 1; plus strand). Cytogenetic location: 11p15.5.
Variant type: single nucleotide variant.
Coding change: c.891C>A on transcript NM_000218.3 (MANE Select); coding-DNA position 891, C replaced by A.
Protein change: p.Gly297=; no amino-acid change (glycine 297 retained).
Molecular consequence: synonymous variant. On other transcripts: intron variant (1).
Genome position (GRCh38, 1-based): chr11:2,572,956, C>A. VCF-style: chr11-2572956-C-A. GRCh37 (hg19) VCF-style: chr11-2594186-C-A.
Other names: c.891C>A, p.Gly297= (NM_001406836.1); c.621C>A, p.Gly207= (NM_001406837.1); c.510C>A, p.Gly170= (NM_181798.2); c.478-10479C>A (NM_001406838.1).
Identifiers: ClinVar variation 2164525 (VCV002164525.6), dbSNP rs772710737, ClinGen allele CA041271.
Genomic context (GRCh38, chr11:2,572,956, plus strand): 5'-GTACTTTGTGTACCTGGCTGAGAAGGACGCGGTGAACGAGTCAGGCCGCGTGGAGTTCGG[C>A]AGCTACGCAGATGCGCTGTGGTGGGGGGTGGTAAGTCGGAAACTTCCAGGCATGGGGACA-3'
Protein context (NP_000209.2, residues 287-307): AVNESGRVEF[Gly297=]SYADALWWGV